The following is an entry in ClinVar:

ClinVar aggregate classification (germline): Benign. Review status: criteria provided, multiple submitters, no conflicts (2 of 4 stars). 2 submissions from 2 submitters: Benign (2). Last evaluated 2026-02-02.

Conditions:
Retinitis pigmentosa (RP). Identifiers: Orphanet 791, MedGen C0035334, MeSH D012174, MONDO:0019200, OMIM 268000. Inheritance: Autosomal dominant, autosomal recessive and X linked inheritance.

Allele frequency attached by ClinVar (database versions not stated): 1000 Genomes Project 0.03175; 1000 Genomes Project 30x 0.03467; gnomAD exomes 0.00267 and 0.00703; ExAC 0.00919; gnomAD 0.02823 and 0.03025; ESP Exome Variant Server 0.03002; TOPMed 0.03140.
gnomAD v4.1: 8,390 of 1,613,556 alleles (0.52%); highest among the groups gnomAD compares: African/African-American, 9.7%; 337 homozygotes.

Submissions (2):

Labcorp Genetics (formerly Invitae), Labcorp
Classification: Benign. Last evaluated: 2026-02-02. Review status: criteria provided, single submitter. Criteria: Invitae Variant Classification Sherloc (09022015). Collection method: clinical testing. Allele origin: germline.

Illumina Laboratory Services, Illumina
Classification: Benign for Retinitis pigmentosa. Last evaluated: 2018-01-12. Review status: criteria provided, single submitter. Criteria: ICSL Variant Classification Criteria 13 December 2019. Collection method: clinical testing. Allele origin: germline.
Comment: This variant was observed in the ICSL laboratory as part of a predisposition screen in an ostensibly healthy population. It had not been previously curated by ICSL or reported in the Human Gene Mutation Database (HGMD: prior to June 1st, 2018), and was therefore a candidate for classification through an automated scoring system. Utilizing variant allele frequency, disease prevalence and penetrance estimates, and inheritance mode, an automated score was calculated to assess if this variant is too frequent to cause the disease. Based on the score and internal cut-off values, a variant classified as benign is not then subjected to further curation. The score for this variant resulted in a classification of benign for this disease.

NM_001297.5(CNGB1):c.534+7C>G

Gene: CNGB1 (cyclic nucleotide gated channel subunit beta 1; minus strand). Cytogenetic location: 16q21.
Variant type: single nucleotide variant.
Coding change: c.534+7C>G on transcript NM_001297.5 (MANE Select); 7 bases into the intron after coding-DNA position 534, C replaced by G.
Molecular consequence: intron variant.
Genome position (GRCh38, 1-based): chr16:57,960,833, G>C on the plus strand (C>G on the coding strand, the complement: CNGB1 is on the minus strand). VCF-style: chr16-57960833-G-C. GRCh37 (hg19) VCF-style: chr16-57994737-G-C.
Other names: c.534+7C>G (NM_001286130.2, NM_001135639.2).
Identifiers: ClinVar variation 320105 (VCV000320105.15), dbSNP rs16959600, ClinGen allele CA8083786.